The following is an entry in ClinVar:

NM_000051.4(ATM):c.3756T>A (p.Tyr1252Ter)

Gene: ATM (ATM serine/threonine kinase; plus strand). Cytogenetic location: 11q22.3.
Variant type: single nucleotide variant.
Coding change: c.3756T>A on transcript NM_000051.4 (MANE Select); coding-DNA position 3756, T replaced by A.
Protein change: p.Tyr1252Ter; replaces tyrosine 1252 with a stop codon.
Molecular consequence: nonsense.
Genome position (GRCh38, 1-based): chr11:108,284,236, T>A. VCF-style: chr11-108284236-T-A. GRCh37 (hg19) VCF-style: chr11-108154963-T-A.
Other names: c.3756T>A, p.Tyr1252Ter (NM_001351834.2); short protein forms Y1252*.
Identifiers: ClinVar variation 265575 (VCV000265575.26), dbSNP rs886039637, ClinGen allele CA10588496.

ClinVar aggregate classification (germline): Pathogenic/Likely pathogenic. Review status: criteria provided, multiple submitters, no conflicts (2 of 4 stars). 9 submissions from 9 submitters: Pathogenic (5); Likely pathogenic (3). 1 of the submissions does not count toward it. Last evaluated 2025-03-23.

Conditions:
Hereditary cancer-predisposing syndrome. Also called: Tumor predisposition; Hereditary neoplastic syndrome; Neoplastic Syndromes, Hereditary; Hereditary Cancer Syndrome. Identifiers: Orphanet 140162, MedGen C0027672, MeSH D009386, MONDO:0015356.
Ataxia-telangiectasia syndrome (AT). Also called: Ataxia-telangiectasia, complementation group D; AT, COMPLEMENTATION GROUP C; LOUIS-BAR SYNDROME; Ataxia telangiectasia (A-T); Cerebello-oculocutaneous telangiectasia; Immunodeficiency with ataxia telangiectasia. Identifiers: Orphanet 100, MedGen C0004135, MONDO:0008840, OMIM 208900.
Familial cancer of breast. Also called: hereditary breast carcinoma; BREAST CANCER, FAMILIAL; Hereditary breast cancer. Identifiers: Orphanet 227535, MedGen C0346153, MONDO:0016419, OMIM 114480. Disease mechanism: loss of function.
Familial prostate cancer. Also called: Hereditary Prostate Cancer. Identifiers: MedGen C2931456, MONDO:0700275, OMIM 176807.

gnomAD v4.1: 1 of 1,608,238 alleles (0.000062%); highest among the groups gnomAD compares: Non-Finnish European, 0.000085%; no homozygotes.

Submissions (9):

Labcorp Genetics (formerly Invitae), Labcorp
Classification: Pathogenic for Ataxia-telangiectasia syndrome. Last evaluated: 2025-03-23. Review status: criteria provided, single submitter. Criteria: Invitae Variant Classification Sherloc (09022015). Collection method: clinical testing. Allele origin: germline.
Comment: This sequence change creates a premature translational stop signal (p.Tyr1252*) in the ATM gene. It is expected to result in an absent or disrupted protein product. Loss-of-function variants in ATM are known to be pathogenic (PMID: 23807571, 25614872). This variant is not present in population databases (gnomAD no frequency). This variant has not been reported in the literature in individuals affected with ATM-related conditions. ClinVar contains an entry for this variant (Variation ID: 265575). For these reasons, this variant has been classified as Pathogenic.

Fulgent Genetics
Classification: Pathogenic for Familial cancer of breast; Ataxia-telangiectasia syndrome. Last evaluated: 2024-04-15. Review status: criteria provided, single submitter. Criteria: ACMG Guidelines, 2015. Collection method: clinical testing. Allele origin: germline.

Ambry Genetics
Classification: Pathogenic for Hereditary cancer-predisposing syndrome. Last evaluated: 2024-03-19. Review status: criteria provided, single submitter. Criteria: Ambry Variant Classification Scheme 2023. Collection method: clinical testing. Allele origin: germline.
Comment: The p.Y1252* pathogenic mutation (also known as c.3756T>A), located in coding exon 25 of the ATM gene, results from a T to A substitution at nucleotide position 3756. This changes the amino acid from a tyrosine to a stop codon within coding exon 25. This variant is considered to be rare based on population cohorts in the Genome Aggregation Database (gnomAD). This alteration is expected to result in loss of function by premature protein truncation or nonsense-mediated mRNA decay. As such, this alteration is interpreted as a disease-causing mutation.

Myriad Genetics, Inc.
Classification: Pathogenic for Familial cancer of breast. Last evaluated: 2024-01-23. Review status: criteria provided, single submitter. Criteria: Myriad Autosomal Dominant, Autosomal Recessive and X-Linked Classification Criteria (2023). Collection method: clinical testing. Allele origin: unknown.
Comment: This variant is considered pathogenic. This variant creates a termination codon and is predicted to result in premature protein truncation.

Baylor Genetics
Classification: Likely pathogenic for Familial cancer of breast. Last evaluated: 2023-04-14. Review status: criteria provided, single submitter. Criteria: ACMG Guidelines, 2015. Collection method: clinical testing. Allele origin: unknown.

Genetics and Molecular Pathology, SA Pathology
Classification: Likely pathogenic for Familial prostate cancer. Last evaluated: 2021-10-11. Review status: criteria provided, single submitter. Criteria: ACMG Guidelines, 2015. Collection method: clinical testing. Allele origin: germline. Affected: yes.

Color Diagnostics, LLC DBA Color Health
Classification: Pathogenic for Hereditary cancer-predisposing syndrome. Last evaluated: 2020-01-15. Review status: criteria provided, single submitter. Criteria: ACMG Guidelines, 2015. Collection method: clinical testing. Allele origin: germline.
Comment: This variant changes 1 nucleotide in exon 26 of the ATM gene, creating a premature translation stop signal. This variant is expected to result in an absent or non-functional protein product. This variant has not been identified in the general population by the Genome Aggregation Database (gnomAD). Loss of ATM function is a known mechanism of disease. Based on the available evidence, this variant is classified as Pathogenic.

GeneDx
Classification: Likely pathogenic. Last evaluated: 2019-04-15. Review status: criteria provided, single submitter. Criteria: GeneDx Variant Classification Process June 2021. Collection method: clinical testing. Allele origin: germline. Affected: yes.
Comment: Nonsense variant predicted to result in protein truncation in a gene for which loss-of-function is a known mechanism of disease; Not observed in large population cohorts (Lek et al., 2016); This variant is associated with the following publications: (PMID: 26373574, 33436325)

Counsyl
Classification: Likely pathogenic for Ataxia-telangiectasia syndrome. Last evaluated: 2017-01-26. Review status: no assertion criteria provided. Collection method: clinical testing. Allele origin: unknown. Not counted in ClinVar's aggregate classification.

Literature cited by the submitters: PubMed 23807571 (cited by Labcorp Genetics (formerly Invitae), Labcorp); PubMed 25614872 (cited by Labcorp Genetics (formerly Invitae), Labcorp).